The following is an entry in ClinVar:

ClinVar aggregate classification (germline): Likely benign (0 of 4 stars; one submission).

Conditions:
EFL1-related disorder. Also called: EFL1-related condition.

Submission:

PreventionGenetics, part of Exact Sciences
Classification: Likely benign for EFL1-related condition. Last evaluated: 2024-01-05. Review status: no assertion criteria provided. Collection method: clinical testing. Allele origin: germline.
Comment: This variant is classified as likely benign based on ACMG/AMP sequence variant interpretation guidelines (Richards et al. 2015 PMID: 25741868, with internal and published modifications).

NM_024580.6(EFL1):c.852T>C (p.Asp284=)

Gene: EFL1 (elongation factor like GTPase 1; minus strand). Cytogenetic location: 15q25.2.
Variant type: single nucleotide variant.
Coding change: c.852T>C on transcript NM_024580.6 (MANE Select); coding-DNA position 852, T replaced by C.
Protein change: p.Asp284=; no amino-acid change (aspartic acid 284 retained).
Molecular consequence: synonymous variant. On other transcripts: non-coding transcript variant (1).
Genome position (GRCh38, 1-based): chr15:82,230,851, A>G on the plus strand (T>C on the coding strand, the complement: EFL1 is on the minus strand). VCF-style: chr15-82230851-A-G. GRCh37 (hg19) VCF-style: chr15-82523192-A-G.
Other names: c.699T>C, p.Asp233= (NM_001040610.3); c.63T>C, p.Asp21= (NM_001322844.2); c.852T>C, p.Asp284= (NM_001322845.2).
Identifiers: ClinVar variation 3032531 (VCV003032531.2), dbSNP rs2505496967, ClinGen allele CA491762021.